The following is an entry in ClinVar:

NM_001127644.2(GABRA1):c.1351G>A (p.Ala451Thr)

Gene: GABRA1 (gamma-aminobutyric acid type A receptor subunit alpha1; plus strand). Cytogenetic location: 5q34.
Variant type: single nucleotide variant.
Coding change: c.1351G>A on transcript NM_001127644.2 (MANE Select); coding-DNA position 1351, G replaced by A.
Protein change: p.Ala451Thr; replaces alanine 451 with threonine.
Molecular consequence: missense variant.
Genome position (GRCh38, 1-based): chr5:161,897,402, G>A. VCF-style: chr5-161897402-G-A. GRCh37 (hg19) VCF-style: chr5-161324408-G-A.
Other names: c.1351G>A, p.Ala451Thr (NM_000806.5, NM_001127643.2, NM_001127645.2 and 1 more transcripts); short protein forms A451T.
Identifiers: ClinVar variation 536748 (VCV000536748.10), dbSNP rs1312439667, ClinGen allele CA362181391.

ClinVar aggregate classification (germline): Uncertain significance (1 of 4 stars; one submission).

Conditions:
Idiopathic generalized epilepsy. Also called: EIG; Generalised epilepsy. Identifiers: MedGen C0270850, MONDO:0005579, OMIM 600669.
Epilepsy, idiopathic generalized, susceptibility to, 13. Also called: EPILEPSY, JUVENILE MYOCLONIC, SUSCEPTIBILITY TO, 5. Identifiers: Orphanet 307, Orphanet 64280, MedGen C4013473, MONDO:0012627, OMIM 611136.
Epilepsy, childhood absence 4 (ECA4). Also called: EPILEPSY, CHILDHOOD ABSENCE, SUSCEPTIBILITY TO, 4. Identifiers: Orphanet 307, MedGen C1970160.

Allele frequency attached by ClinVar (database versions not stated): gnomAD exomes below 0.00001.
gnomAD v4.1: 1 of 1,613,994 alleles (0.000062%); highest among the groups gnomAD compares: Non-Finnish European, 0.000085%; no homozygotes.

Submission:

Labcorp Genetics (formerly Invitae), Labcorp
Classification: Uncertain significance for Epilepsy, childhood absence 4; Epilepsy, idiopathic generalized, susceptibility to, 13; Idiopathic generalized epilepsy. Last evaluated: 2019-05-08. Review status: criteria provided, single submitter. Criteria: Invitae Variant Classification Sherloc (09022015). Collection method: clinical testing. Allele origin: germline.
Comment: This variant is not present in population databases (ExAC no frequency). In summary, the available evidence is currently insufficient to determine the role of this variant in disease. Therefore, it has been classified as a Variant of Uncertain Significance. Algorithms developed to predict the effect of missense changes on protein structure and function (SIFT, PolyPhen-2, Align-GVGD) all suggest that this variant is likely to be tolerated, but these predictions have not been confirmed by published functional studies and their clinical significance is uncertain. This variant has not been reported in the literature in individuals with GABRA1-related disease. This sequence change replaces alanine with threonine at codon 451 of the GABRA1 protein (p.Ala451Thr). The alanine residue is moderately conserved and there is a small physicochemical difference between alanine and threonine.